The following is an entry in ClinVar:

ClinVar aggregate classification (germline): Uncertain significance (1 of 4 stars; one submission).

Conditions:
Familial thoracic aortic aneurysm and aortic dissection (TAAD). Also called: Thoracic aortic aneurysms and dissections. Identifiers: Orphanet 91387, MedGen C4707243, MONDO:0019625.
Marfan syndrome (MFS). Also called: FBN1-Related Marfan Syndrome; Marfan's syndrome; MARFAN SYNDROME, TYPE I; Marfan syndrome type 1; Marfan syndrome, classic. Identifiers: Orphanet 284963, Orphanet 558, MedGen C0024796, MONDO:0007947, OMIM 154700.

Submission:

Labcorp Genetics (formerly Invitae), Labcorp
Classification: Uncertain significance for Marfan syndrome; Familial thoracic aortic aneurysm and aortic dissection. Last evaluated: 2025-03-05. Review status: criteria provided, single submitter. Criteria: Invitae Variant Classification Sherloc (09022015). Collection method: clinical testing. Allele origin: germline.
Comment: This sequence change replaces proline, which is neutral and non-polar, with serine, which is neutral and polar, at codon 2154 of the FBN1 protein (p.Pro2154Ser). This variant is not present in population databases (gnomAD no frequency). This variant has not been reported in the literature in individuals affected with FBN1-related conditions. ClinVar contains an entry for this variant (Variation ID: 863326). Invitae Evidence Modeling of protein sequence and biophysical properties (such as structural, functional, and spatial information, amino acid conservation, physicochemical variation, residue mobility, and thermodynamic stability) has been performed for this missense variant. However, the output from this modeling did not meet the statistical confidence thresholds required to predict the impact of this variant on FBN1 protein function. In summary, the available evidence is currently insufficient to determine the role of this variant in disease. Therefore, it has been classified as a Variant of Uncertain Significance.

NM_000138.5(FBN1):c.6460C>T (p.Pro2154Ser)

Gene: FBN1 (fibrillin 1; minus strand). Cytogenetic location: 15q21.1.
Variant type: single nucleotide variant.
Coding change: c.6460C>T on transcript NM_000138.5 (MANE Select); coding-DNA position 6460, C replaced by T.
Protein change: p.Pro2154Ser; replaces proline 2154 with serine.
Molecular consequence: missense variant.
Genome position (GRCh38, 1-based): chr15:48,436,997, G>A on the plus strand (C>T on the coding strand, the complement: FBN1 is on the minus strand). VCF-style: chr15-48436997-G-A. GRCh37 (hg19) VCF-style: chr15-48729194-G-A.
Other names: short protein forms P2154S.
Identifiers: ClinVar variation 863326 (VCV000863326.9), dbSNP rs2043077718, ClinGen allele CA392336474.
Genomic context (GRCh38, chr15:48,436,997, plus strand): 5'-TATGGAAGAAAACTTATTACTCACCTACACATTCATTCCCTGCTAGAATATAACCAAAGG[G>A]ACACTCGCAGCGATAGGAACCATCTGTATTGATGCACTGTCCATGTTTACAGACATCGGG-3'
Protein context (NP_000129.3, residues 2144-2164): NTDGSYRCEC[Pro2154Ser]FGYILAGNEC